The following is an entry in ClinVar:

ClinVar aggregate classification (germline): Uncertain significance. Review status: criteria provided, multiple submitters, no conflicts (2 of 4 stars). 2 submissions from 2 submitters: Uncertain significance (2). Last evaluated 2025-07-03.

Conditions:
Neuroblastoma, susceptibility to, 3. Also called: ALK-Related Neuroblastic Tumor Susceptibility. Identifiers: Orphanet 635, MedGen C2751681, MONDO:0013083, OMIM 613014.
Hereditary cancer-predisposing syndrome. Also called: Hereditary Cancer Syndrome; Hereditary neoplastic syndrome; Neoplastic Syndromes, Hereditary; Tumor predisposition. Identifiers: Orphanet 140162, MedGen C0027672, MeSH D009386, MONDO:0015356.

Allele frequency attached by ClinVar (database versions not stated): gnomAD exomes below 0.00001.
gnomAD v4.1: 2 of 1,614,134 alleles (0.00012%); highest among the groups gnomAD compares: South Asian, 0.0022%; no homozygotes.

Submissions (2):

Labcorp Genetics (formerly Invitae), Labcorp
Classification: Uncertain significance for Neuroblastoma, susceptibility to, 3. Last evaluated: 2025-07-03. Review status: criteria provided, single submitter. Criteria: Invitae Variant Classification Sherloc (09022015). Collection method: clinical testing. Allele origin: germline.
Comment: This sequence change replaces alanine, which is neutral and non-polar, with valine, which is neutral and non-polar, at codon 699 of the ALK protein (p.Ala699Val). This variant is present in population databases (no rsID available, gnomAD 0.007%). This variant has not been reported in the literature in individuals affected with ALK-related conditions. ClinVar contains an entry for this variant (Variation ID: 1721035). An algorithm developed to predict the effect of missense changes on protein structure and function (PolyPhen-2) suggests that this variant is likely to be tolerated. In summary, the available evidence is currently insufficient to determine the role of this variant in disease. Therefore, it has been classified as a Variant of Uncertain Significance.

Ambry Genetics
Classification: Uncertain significance for Hereditary cancer-predisposing syndrome. Last evaluated: 2023-10-17. Review status: criteria provided, single submitter. Criteria: Ambry Variant Classification Scheme 2023. Collection method: clinical testing. Allele origin: germline.

NM_004304.5(ALK):c.2096C>T (p.Ala699Val)

Gene: ALK (ALK receptor tyrosine kinase; minus strand). Cytogenetic location: 2p23.2.
Variant type: single nucleotide variant.
Coding change: c.2096C>T on transcript NM_004304.5 (MANE Select); coding-DNA position 2096, C replaced by T.
Protein change: p.Ala699Val; replaces alanine 699 with valine.
Molecular consequence: missense variant.
Genome position (GRCh38, 1-based): chr2:29,251,213, G>A on the plus strand (C>T on the coding strand, the complement: ALK is on the minus strand). VCF-style: chr2-29251213-G-A. GRCh37 (hg19) VCF-style: chr2-29474079-G-A.
Other names: c.2096C>T (NM_004304.4); short protein forms A699V.
Identifiers: ClinVar variation 1721035 (VCV001721035.6), dbSNP rs1293729041, ClinGen allele CA346477067.